The following is an entry in ClinVar:

ClinVar aggregate classification (germline): Uncertain significance (1 of 4 stars; one submission).

Submission:

GeneDx
Classification: Uncertain significance. Last evaluated: 2024-12-26. Review status: criteria provided, single submitter. Criteria: GeneDx Variant Classification Process June 2021. Collection method: clinical testing. Allele origin: germline. Affected: yes.
Comment: Reported with a second variant, phase unknown, in a patient with retinitis pigmentosa in published literature (PMID: 33691693); Not observed at significant frequency in large population cohorts (gnomAD); In silico analysis supports that this missense variant has a deleterious effect on protein structure/function; This variant is associated with the following publications: (PMID: 33691693)

NM_206933.4(USH2A):c.3745C>T (p.Pro1249Ser)

Genes: USH2A (usherin; minus strand), USH2A-AS1 (USH2A antisense RNA 1; plus strand). Cytogenetic location: 1q41.
Variant type: single nucleotide variant.
Coding change: c.3745C>T on transcript NM_206933.4 (MANE Select); coding-DNA position 3745, C replaced by T.
Protein change: p.Pro1249Ser; replaces proline 1249 with serine.
Molecular consequence: missense variant.
Genome position (GRCh38, 1-based): chr1:216,199,693, G>A on the plus strand (C>T on the coding strand, the complement: USH2A is on the minus strand). VCF-style: chr1-216199693-G-A. GRCh37 (hg19) VCF-style: chr1-216373035-G-A.
Other names: c.3745C>T, p.Pro1249Ser (NM_007123.6); short protein forms P1249S.
Identifiers: ClinVar variation 3907770 (VCV003907770.1).